The following is an entry in ClinVar:

ClinVar aggregate classification (germline): Uncertain significance. Review status: criteria provided, multiple submitters, no conflicts (2 of 4 stars). 3 submissions from 3 submitters: Uncertain significance (3). Last evaluated 2025-08-11.

Conditions:
Hereditary cancer-predisposing syndrome. Also called: Hereditary Cancer Syndrome; Neoplastic Syndromes, Hereditary; Tumor predisposition; Hereditary neoplastic syndrome. Identifiers: Orphanet 140162, MedGen C0027672, MeSH D009386, MONDO:0015356.
Generalized juvenile polyposis/juvenile polyposis coli. Also called: Juvenile polyposis coli. Identifiers: Orphanet 329971, MedGen C1868081, MONDO:0008276.

Submissions (3):

Ambry Genetics
Classification: Uncertain significance for Hereditary cancer-predisposing syndrome. Last evaluated: 2025-08-11. Review status: criteria provided, single submitter. Criteria: Ambry Variant Classification Scheme 2023. Collection method: clinical testing. Allele origin: germline.
Comment: The p.Q3P variant (also known as c.8A>C), located in coding exon 1 of the BMPR1A gene, results from an A to C substitution at nucleotide position 8. The glutamine at codon 3 is replaced by proline, an amino acid with similar properties. This amino acid position is not well conserved in available vertebrate species. In addition, this alteration is predicted to be tolerated by in silico analysis. Based on the available evidence, the clinical significance of this variant remains unclear.

Molecular Pathology, Peter Maccallum Cancer Centre
Classification: Uncertain significance for Generalized juvenile polyposis/juvenile polyposis coli. Last evaluated: 2025-05-13. Review status: criteria provided, single submitter. Criteria: ACMG Guidelines, 2015. Collection method: clinical testing. Allele origin: germline. Inheritance: Autosomal dominant inheritance.

Color Diagnostics, LLC DBA Color Health
Classification: Uncertain significance for Hereditary cancer-predisposing syndrome. Last evaluated: 2023-12-05. Review status: criteria provided, single submitter. Criteria: ACMG Guidelines, 2015. Collection method: clinical testing. Allele origin: germline.
Comment: This missense variant replaces glutamine with proline at codon 3 of the BMPR1A protein. Computational prediction suggests that this variant may not impact protein structure and function (internally defined REVEL score threshold <= 0.5, PMID: 27666373). To our knowledge, functional studies have not been reported for this variant. This variant has not been reported in individuals affected with BMPR1A-related disorders in the literature. This variant has not been identified in the general population by the Genome Aggregation Database (gnomAD). The available evidence is insufficient to determine the role of this variant in disease conclusively. Therefore, this variant is classified as a Variant of Uncertain Significance.

NM_004329.3(BMPR1A):c.8A>C (p.Gln3Pro)

Gene: BMPR1A (bone morphogenetic protein receptor type 1A; plus strand). Cytogenetic location: 10q23.2.
Variant type: single nucleotide variant.
Coding change: c.8A>C on transcript NM_004329.3 (MANE Select); coding-DNA position 8, A replaced by C.
Protein change: p.Gln3Pro; replaces glutamine 3 with proline.
Molecular consequence: missense variant.
Genome position (GRCh38, 1-based): chr10:86,876,026, A>C. VCF-style: chr10-86876026-A-C. GRCh37 (hg19) VCF-style: chr10-88635783-A-C.
Other names: short protein forms Q3P.
Identifiers: ClinVar variation 489702 (VCV000489702.8), dbSNP rs1554886804, ClinGen allele CA377774752.
Genomic context (GRCh38, chr10:86,876,026, plus strand): 5'-AGCAAGACCAATTATTAAAGGTGACAGTACACAGGAAACATTACAATTGAACAATGCCTC[A>C]GCTATACATTTACATCAGATTATTGGGAGCCTATTTGTTCATCATTTCTCGTGTTCAAGG-3'
Protein context (NP_004320.2, residues 1-13): MP[Gln3Pro]LYIYIRLLGA